The following is an entry in ClinVar:

NM_198576.4(AGRN):c.483C>A (p.Phe161Leu)

Gene: AGRN (agrin; plus strand). Cytogenetic location: 1p36.33.
Variant type: single nucleotide variant.
Coding change: c.483C>A on transcript NM_198576.4 (MANE Select); coding-DNA position 483, C replaced by A.
Protein change: p.Phe161Leu; replaces phenylalanine 161 with leucine.
Molecular consequence: missense variant.
Genome position (GRCh38, 1-based): chr1:1,035,296, C>A. VCF-style: chr1-1035296-C-A. GRCh37 (hg19) VCF-style: chr1-970676-C-A.
Other names: c.483C>A, p.Phe161Leu (NM_001305275.2); c.168C>A, p.Phe56Leu (NM_001364727.2); short protein forms F161L, F56L.
Identifiers: ClinVar variation 1485813 (VCV001485813.8), dbSNP rs192831476, ClinGen allele CA337818351.

ClinVar aggregate classification (germline): Uncertain significance (1 of 4 stars; one submission).

Conditions:
Congenital myasthenic syndrome 8. Also called: Myasthenic syndrome, congenital, 8, with pre- and postsynaptic defects; MYASTHENIC SYNDROME, CONGENITAL, DUE TO AGRIN DEFICIENCY. Identifiers: Orphanet 590, MedGen C3808739, MONDO:0014052, OMIM 615120.

Submission:

Labcorp Genetics (formerly Invitae), Labcorp
Classification: Uncertain significance for Congenital myasthenic syndrome 8. Last evaluated: 2020-11-16. Review status: criteria provided, single submitter. Criteria: Invitae Variant Classification Sherloc (09022015). Collection method: clinical testing. Allele origin: germline.
Comment: This sequence change replaces phenylalanine with leucine at codon 161 of the AGRN protein (p.Phe161Leu). The phenylalanine residue is moderately conserved and there is a small physicochemical difference between phenylalanine and leucine. This variant is not present in population databases (ExAC no frequency). This variant has not been reported in the literature in individuals with AGRN-related conditions. Algorithms developed to predict the effect of missense changes on protein structure and function are either unavailable or do not agree on the potential impact of this missense change (SIFT: "Deleterious"; PolyPhen-2: "Benign"; Align-GVGD: "Class C0"). In summary, the available evidence is currently insufficient to determine the role of this variant in disease. Therefore, it has been classified as a Variant of Uncertain Significance.